The following is an entry in ClinVar:

NM_001754.5(RUNX1):c.479A>G (p.Asp160Gly)

Genes: RUNX1 (RUNX family transcription factor 1; minus strand), RUNX1-AS1 (RUNX1 antisense RNA 1; plus strand). Cytogenetic location: 21q22.12.
Variant type: single nucleotide variant.
Coding change: c.479A>G on transcript NM_001754.5 (MANE Select); coding-DNA position 479, A replaced by G.
Protein change: p.Asp160Gly; replaces aspartic acid 160 with glycine.
Molecular consequence: missense variant.
Genome position (GRCh38, 1-based): chr21:34,880,586, T>C on the plus strand (A>G on the coding strand, the complement: RUNX1 is on the minus strand). VCF-style: chr21-34880586-T-C. GRCh37 (hg19) VCF-style: chr21-36252883-T-C.
Other names: NM_001754.5(RUNX1):c.479A>G; p.Asp160Gly; c.398A>G, p.Asp133Gly (NM_001001890.3, NM_001122607.2); short protein forms D160G, D133G.
Identifiers: ClinVar variation 1524897 (VCV001524897.7), dbSNP rs2146360919, ClinGen allele CA410202522.

ClinVar aggregate classification (germline): Uncertain significance. Review status: reviewed by expert panel (3 of 4 stars). 2 submissions from 2 submitters: Uncertain significance (1). 1 of the submissions does not count toward it. Last evaluated 2024-07-17.

Conditions:
Hereditary thrombocytopenia and hematological cancer predisposition syndrome associated with RUNX1. Also called: RUNX1 Familial Platelet Disorder with Associated Myeloid Malignancies; Familial Platelet Disorder with Propensity to Acute Myelogenous Leukemia; Familial thrombocytopenia with propensity to acute myelogenous leukemia; PLATELET DISORDER, ASPIRIN-LIKE. Identifiers: Orphanet 71290, MedGen C1832388, MeSH C563324, MONDO:0100083, OMIM 601399.

Submissions (2):

ClinGen Myeloid Malignancy Variant Curation Expert Panel
Classification: Uncertain significance for Hereditary thrombocytopenia and hematological cancer predisposition syndrome associated with RUNX1. Last evaluated: 2024-07-17. Review status: reviewed by expert panel. Criteria: ClinGen MyeloMalig ACMG Specifications v2. Collection method: curation. Allele origin: germline. Inheritance: Autosomal dominant inheritance.
Comment: NM_001754.5(RUNX1):c.479A>G (p.Asp160Gly) is a missense variant which has a REVEL score >0.88 (0.983) (PP3). This variant affects one of the residues within the RHD (AA 89-204) (PM1_supporting). This variant is completely absent from all population databases with at least 20x coverage for RUNX1 (PM2_supporting). In summary, the clinical significance of this variant is uncertain. ACMG/AMP criteria have been applied as specified by the Myeloid Malignancy Variant Curation Expert Panel for RUNX1: PP3, PM1_supporting, PM2_supporting.

Labcorp Genetics (formerly Invitae), Labcorp
Classification: Uncertain significance for Hereditary thrombocytopenia and hematological cancer predisposition syndrome associated with RUNX1. Last evaluated: 2021-10-13. Review status: criteria provided, single submitter. Criteria: Invitae Variant Classification Sherloc (09022015). Collection method: clinical testing. Allele origin: germline. Not counted in ClinVar's aggregate classification.
Comment: This sequence change replaces aspartic acid with glycine at codon 160 of the RUNX1 protein (p.Asp160Gly). The aspartic acid residue is moderately conserved and there is a moderate physicochemical difference between aspartic acid and glycine. This variant is not present in population databases (ExAC no frequency). This variant has not been reported in the literature in individuals affected with RUNX1-related conditions. In summary, the available evidence is currently insufficient to determine the role of this variant in disease. Therefore, it has been classified as a Variant of Uncertain Significance. Algorithms developed to predict the effect of missense changes on protein structure and function are either unavailable or do not agree on the potential impact of this missense change (SIFT: "Deleterious"; PolyPhen-2: "Probably Damaging"; Align-GVGD: "Class C0").